The following is an entry in ClinVar:

NM_001148.6(ANK2):c.11859+1353A>T

Gene: ANK2 (ankyrin 2; plus strand). Cytogenetic location: 4q26.
Variant type: single nucleotide variant.
Coding change: c.11859+1353A>T on transcript NM_001148.6 (MANE Select); 1353 bases into the intron after coding-DNA position 11859, A replaced by T.
Molecular consequence: intron variant. On other transcripts: synonymous variant (20).
Genome position (GRCh38, 1-based): chr4:113,374,802, A>T. VCF-style: chr4-113374802-A-T. GRCh37 (hg19) VCF-style: chr4-114295958-A-T.
Other names: c.5655A>T, p.Ser1885= (NM_001354225.2); c.5637A>T, p.Ser1879= (NM_001354228.2); c.5622A>T, p.Ser1874= (NM_001354230.2); c.5541A>T, p.Ser1847= (NM_001354236.2); c.5481A>T, p.Ser1827= (NM_001354245.2); c.5457A>T, p.Ser1819= (NM_001354249.2); c.5418A>T, p.Ser1806= (NM_001354253.2); c.5382A>T, p.Ser1794= (NM_001354257.2); and 60 more.
Identifiers: ClinVar variation 2636736 (VCV002636736.1), dbSNP rs1180228383, ClinGen allele CA554067350.

ClinVar aggregate classification (germline): Uncertain significance (1 of 4 stars; one submission).

Conditions:
ANK2-related disorder. Also called: ANK2-related condition.

Allele frequency attached by ClinVar (database versions not stated): gnomAD exomes below 0.00001; gnomAD 0.00001; TOPMed 0.00001.
gnomAD v4.1: 3 of 1,219,360 alleles (0.00025%); highest among the groups gnomAD compares: Admixed American, 0.008%; no homozygotes.

Submission:

PreventionGenetics, part of Exact Sciences
Classification: Uncertain significance for ANK2-related condition. Last evaluated: 2023-01-18. Review status: criteria provided, single submitter. Criteria: ACMG Guidelines, 2015. Collection method: clinical testing. Allele origin: germline.
Comment: The ANK2 c.5637A>T variant is not predicted to result in an amino acid change (p.=). This variant is predicted to enhance a cryptic splice site based on splicing prediction programs (Alamut Visual Plus v.1.6.1). However, these splicing prediction programs are not equivalent to functional data. To our knowledge, this variant has not been reported in the literature. This variant is reported in 0.011% of alleles in individuals of Latino descent in gnomAD. Although we suspect that this variant may be benign, at this time, the clinical significance of this variant is uncertain due to the absence of conclusive functional and genetic evidence.